The following is an entry in ClinVar:

NM_020778.5(ALPK3):c.3186G>A (p.Trp1062Ter)

Gene: ALPK3 (alpha kinase 3; plus strand). Cytogenetic location: 15q25.3.
Variant type: single nucleotide variant.
Coding change: c.3186G>A on transcript NM_020778.5 (MANE Select); coding-DNA position 3186, G replaced by A.
Protein change: p.Trp1062Ter; replaces tryptophan 1062 with a stop codon.
Molecular consequence: nonsense.
Genome position (GRCh38, 1-based): chr15:84,857,924, G>A. VCF-style: chr15-84857924-G-A. GRCh37 (hg19) VCF-style: chr15-85401155-G-A.
Other names: short protein forms W1264*, W1062*.
Identifiers: ClinVar variation 548941 (VCV000548941.2), dbSNP rs1555435531, ClinGen allele CA16040182.
Genomic context (GRCh38, chr15:84,857,924, plus strand): 5'-CCTCCTGGACCGTGAGGTGCAGGCTGGCCGCCAGGCCCTTGCTGCTGCCCGAGGCTCCTG[G>A]GGTCCTGGTCCCAGCTCCCTCACTGTCCCTGCCATTGTGGTAGACGAGGAGGACCCTGGG-3'

ClinVar aggregate classification (germline): Pathogenic. Review status: criteria provided, single submitter (1 of 4 stars). 2 submissions from 2 submitters: Pathogenic (1). 1 of the submissions does not count toward it. Last evaluated 2023-07-17.

Conditions:
Cardiomyopathy, familial hypertrophic 27. Identifiers: MedGen C4748014, MONDO:0054838, OMIM 618052.

gnomAD v4.1: 1 of 1,610,500 alleles (0.000062%); no homozygotes.

Submissions (2):

Victorian Clinical Genetics Services, Murdoch Childrens Research Institute
Classification: Pathogenic for Cardiomyopathy, familial hypertrophic 27. Last evaluated: 2023-07-17. Review status: criteria provided, single submitter. Criteria: ACMG Guidelines, 2015. Collection method: clinical testing. Allele origin: germline. Inheritance: Autosomal recessive inheritance. Affected: yes.
Comment: Based on the classification scheme VCGS_Germline_v1.3.4, this variant is classified as Pathogenic. Following criteria are met: 0102 - Loss of function is a known mechanism of disease in this gene and is associated with familial hypertrophic cardiomyopathy 27 (MIM#618052). (I) 0106 - This gene is associated with autosomal recessive disease. However, emerging evidence supports autosomal dominant inheritance in adults with age-dependent penetrance (PMIDs: 32480058, 34263907). (I) 0201 - Variant is predicted to cause nonsense-mediated decay (NMD) and loss of protein (premature termination codon is located at least 54 nucleotides upstream of the final exon-exon junction). (SP) 0252 - This variant is homozygous. (I) 0301 - Variant is absent from gnomAD (both v2 and v3). (SP) 0701 - Other variants predicted to result in NMD comparable to the one identified in this case have very strong previous evidence for pathogenicity (DECIPHER). (SP) 0807 - This variant has no previous evidence of pathogenicity. (I) 1002 - This variant has moderate functional evidence supporting abnormal protein function. CRISPR/cas9 editing was used to repair one mutant allele in a proband-derived iPSC line, which was sufficient to restore wild-type phenotype. Mutant iPSC presented sarcomeric disorganisation and abnormal intercalated disc morphology, and significantly increased irregular calcium transients (PMID: 27106955). (SP) 1208 - Inheritance information for this variant is not currently available in this individual. (I) Legend: (SP) - Supporting pathogenic, (I) - Information, (SB) - Supporting benign

OMIM
Classification: Pathogenic for CARDIOMYOPATHY, FAMILIAL HYPERTROPHIC, 27. Last evaluated: 2018-07-12. Review status: no assertion criteria provided. Collection method: literature only. Allele origin: germline. Not counted in ClinVar's aggregate classification.

Literature cited by the submitters: PubMed 27106955 (cited by Victorian Clinical Genetics Services, Murdoch Childrens Research Institute and OMIM); PubMed 32480058 (cited by Victorian Clinical Genetics Services, Murdoch Childrens Research Institute); PubMed 34263907 (cited by Victorian Clinical Genetics Services, Murdoch Childrens Research Institute).